The following is an entry in ClinVar:

ClinVar aggregate classification (germline): Uncertain significance. Review status: criteria provided, multiple submitters, no conflicts (2 of 4 stars). 3 submissions from 3 submitters: Uncertain significance (3). Last evaluated 2026-07-06.

Conditions:
Hereditary cancer-predisposing syndrome. Also called: Tumor predisposition; Hereditary Cancer Syndrome; Hereditary neoplastic syndrome; Neoplastic Syndromes, Hereditary. Identifiers: Orphanet 140162, MedGen C0027672, MeSH D009386, MONDO:0015356.

Submissions (3):

Ambry Genetics
Classification: Uncertain significance for Hereditary cancer-predisposing syndrome. Last evaluated: 2026-07-06. Review status: criteria provided, single submitter. Criteria: Ambry Variant Classification Scheme 2023. Collection method: clinical testing. Allele origin: germline.
Comment: The p.P292S variant (also known as c.874C>T), located in coding exon 6 of the NTHL1 gene, results from a C to T substitution at nucleotide position 874. The proline at codon 292 is replaced by serine, an amino acid with similar properties. This amino acid position is conserved. In addition, the in silico prediction for this alteration is inconclusive. Based on the available evidence, the clinical significance of this variant remains unclear.

Center for Genomic Medicine, Rigshospitalet, Copenhagen University Hospital
Classification: Uncertain significance. Last evaluated: 2025-12-29. Review status: criteria provided, single submitter. Criteria: ACMG Guidelines, 2015. Collection method: clinical testing. Allele origin: germline.

Labcorp Genetics (formerly Invitae), Labcorp
Classification: Uncertain significance. Last evaluated: 2020-07-24. Review status: criteria provided, single submitter. Criteria: Invitae Variant Classification Sherloc (09022015). Collection method: clinical testing. Allele origin: germline.
Comment: In summary, the available evidence is currently insufficient to determine the role of this variant in disease. Therefore, it has been classified as a Variant of Uncertain Significance. Algorithms developed to predict the effect of missense changes on protein structure and function are either unavailable or do not agree on the potential impact of this missense change (SIFT: "Not Available"; PolyPhen-2: "Possibly Damaging"; Align-GVGD: "Not Available"). This variant has not been reported in the literature in individuals with NTHL1-related conditions. This variant is not present in population databases (ExAC no frequency). This sequence change replaces proline with serine at codon 292 of the NTHL1 protein (p.Pro292Ser). The proline residue is moderately conserved and there is a moderate physicochemical difference between proline and serine.

NM_002528.7(NTHL1):c.850C>T (p.Pro284Ser)

Gene: NTHL1 (nth like DNA glycosylase 1; minus strand). Cytogenetic location: 16p13.3.
Variant type: single nucleotide variant.
Coding change: c.850C>T on transcript NM_002528.7 (MANE Select); coding-DNA position 850, C replaced by T.
Protein change: p.Pro284Ser; replaces proline 284 with serine.
Molecular consequence: missense variant.
Genome position (GRCh38, 1-based): chr16:2,039,989, G>A on the plus strand (C>T on the coding strand, the complement: NTHL1 is on the minus strand). VCF-style: chr16-2039989-G-A. GRCh37 (hg19) VCF-style: chr16-2089990-G-A.
Other names: c.679C>T, p.Pro227Ser (NM_001318193.2); c.520C>T, p.Pro174Ser (NM_001318194.2); c.874C>T (NM_002528.5); short protein forms P174S, P227S, P284S.
Identifiers: ClinVar variation 1004677 (VCV001004677.9), dbSNP rs2084237330, ClinGen allele CA394287230.